The following is an entry in ClinVar:

ClinVar aggregate classification (germline): Conflicting classifications of pathogenicity. Review status: criteria provided, conflicting classifications (1 of 4 stars). 5 submissions from 5 submitters: Uncertain significance (3); Likely benign (1). 1 of the submissions does not count toward it. Last evaluated 2024-12-23.

Conditions:
ICOS-related disorder. Also called: ICOS-related condition.
Immunodeficiency, common variable, 1. Also called: ANTIBODY DEFICIENCY DUE TO ICOS DEFECT. Identifiers: Orphanet 1572, Orphanet 695183, MedGen C3149378, MONDO:0011864, OMIM 607594.

gnomAD v4.1: 1,002 of 1,555,586 alleles (0.064%); highest among the groups gnomAD compares: Non-Finnish European, 0.087%; 1 homozygote.

Submissions (5):

Labcorp Genetics (formerly Invitae), Labcorp
Classification: Uncertain significance for Immunodeficiency, common variable, 1. Last evaluated: 2024-12-23. Review status: criteria provided, single submitter. Criteria: Invitae Variant Classification Sherloc (09022015). Collection method: clinical testing. Allele origin: germline.
Comment: This sequence change falls in intron 3 of the ICOS gene. It does not directly change the encoded amino acid sequence of the ICOS protein. It affects a nucleotide within the consensus splice site. This variant is present in population databases (rs4264550, gnomAD 0.05%). This variant has not been reported in the literature in individuals affected with ICOS-related conditions. ClinVar contains an entry for this variant (Variation ID: 624172). Variants that disrupt the consensus splice site are a relatively common cause of aberrant splicing (PMID: 17576681, 9536098). Algorithms developed to predict the effect of sequence changes on RNA splicing suggest that this variant is not likely to affect RNA splicing. In summary, the available evidence is currently insufficient to determine the role of this variant in disease. Therefore, it has been classified as a Variant of Uncertain Significance.

Blueprint Genetics
Classification: Likely benign. Last evaluated: 2024-11-26. Review status: criteria provided, single submitter. Criteria: ACMG Guidelines, 2015. Collection method: clinical testing. Allele origin: germline.

Women's Health and Genetics/Laboratory Corporation of America, LabCorp
Classification: Uncertain significance. Last evaluated: 2024-05-02. Review status: criteria provided, single submitter. Criteria: LabCorp Variant Classification Summary - May 2015. Collection method: clinical testing. Allele origin: germline.
Comment: Variant summary: ICOS c.501+6C>G alters a non-conserved nucleotide located close to a canonical splice site and therefore could affect mRNA splicing, leading to a significantly altered protein sequence. Consensus agreement among computation tools predict no significant impact on normal splicing. However, these predictions have yet to be confirmed by functional studies. The variant allele was found at a frequency of 0.00027 in 250604 control chromosomes (gnomAD). To our knowledge, no occurrence of c.501+6C>G in individuals affected with Immunodeficiency, Common Variable, 1 and no experimental evidence demonstrating its impact on protein function have been reported. ClinVar contains an entry for this variant (Variation ID: 624172). Based on the evidence outlined above, the variant was classified as uncertain significance.

CeGaT Center for Human Genetics Tuebingen
Classification: Uncertain significance. Last evaluated: 2018-04-01. Review status: criteria provided, single submitter. Criteria: CeGaT Center For Human Genetics Tuebingen Variant Classification Criteria Version 2. Collection method: clinical testing. Allele origin: germline. Affected: yes. Observed: 1 variant allele.

PreventionGenetics, part of Exact Sciences
Classification: Likely benign for ICOS-related condition. Last evaluated: 2020-04-14. Review status: no assertion criteria provided. Collection method: clinical testing. Allele origin: germline. Not counted in ClinVar's aggregate classification.
Comment: This variant is classified as likely benign based on ACMG/AMP sequence variant interpretation guidelines (Richards et al. 2015 PMID: 25741868, with internal and published modifications).

Literature cited by the submitters: PubMed 17576681 (cited by Labcorp Genetics (formerly Invitae), Labcorp); PubMed 9536098 (cited by Labcorp Genetics (formerly Invitae), Labcorp).

NM_012092.4(ICOS):c.501+6C>G

Gene: ICOS (inducible T cell costimulator; plus strand). Cytogenetic location: 2q33.2.
Variant type: single nucleotide variant.
Coding change: c.501+6C>G on transcript NM_012092.4 (MANE Select); 6 bases into the intron after coding-DNA position 501, C replaced by G.
Molecular consequence: intron variant.
Genome position (GRCh38, 1-based): chr2:203,956,771, C>G. VCF-style: chr2-203956771-C-G. GRCh37 (hg19) VCF-style: chr2-204821494-C-G.
Identifiers: ClinVar variation 624172 (VCV000624172.51), dbSNP rs4264550, ClinGen allele CA2067294.